The following is an entry in ClinVar:

NM_001042492.3(NF1):c.1545del (p.Glu517fs)

Gene: NF1 (neurofibromin 1; plus strand). Cytogenetic location: 17q11.2.
Variant type: Deletion.
Coding change: c.1545del on transcript NM_001042492.3 (MANE Select); coding-DNA position 1545, one base deleted (G; older notation c.1545delG).
Protein change: p.Glu517fs; shifts the reading frame from glutamic acid 517.
Molecular consequence: frameshift variant.
Genome position (GRCh38, 1-based): chr17:31,219,022, G deleted; the last of 4 consecutive G bases (chr17:31,219,019-31,219,022); deleting any one gives the same sequence. VCF-style (leftmost placement, unchanged base first): chr17-31219018-AG-A. GRCh37 (hg19) VCF-style: chr17-29546036-AG-A.
Other names: c.1545delG (NM_000267.3); c.1545delG, p.Glu517Lysfs (NM_000267.4); c.1545del, p.Glu517fs (NM_001128147.3); short protein forms E517fs.
Identifiers: ClinVar variation 2137961 (VCV002137961.5), dbSNP rs2544840367, ClinGen allele CA2580092864.

ClinVar aggregate classification (germline): Pathogenic. Review status: criteria provided, multiple submitters, no conflicts (2 of 4 stars). 2 submissions from 2 submitters: Pathogenic (2). Last evaluated 2026-01-06.

Conditions:
Neurofibromatosis, type 1 (NF1). Also called: Peripheral type neurofibromatosis; VON RECKLINGHAUSEN DISEASE; NEUROFIBROMATOSIS, TYPE I, SOMATIC; Neurofibromatosis, type I. Identifiers: Orphanet 636, MedGen C0027831, MONDO:0018975, OMIM 162200. Disease mechanism: loss of function.
Cardiovascular phenotype. Identifiers: MedGen CN230736.
Hereditary cancer-predisposing syndrome. Also called: Tumor predisposition; Hereditary Cancer Syndrome; Hereditary neoplastic syndrome; Neoplastic Syndromes, Hereditary. Identifiers: Orphanet 140162, MedGen C0027672, MeSH D009386, MONDO:0015356.

Submissions (2):

Labcorp Genetics (formerly Invitae), Labcorp
Classification: Pathogenic for Neurofibromatosis, type 1. Last evaluated: 2026-01-06. Review status: criteria provided, single submitter. Criteria: Invitae Variant Classification Sherloc (09022015). Collection method: clinical testing. Allele origin: germline.
Comment: This sequence change creates a premature translational stop signal (p.Glu517Lysfs*9) in the NF1 gene. It is expected to result in an absent or disrupted protein product. Loss-of-function variants in NF1 are known to be pathogenic (PMID: 10712197, 23913538). This variant is not present in population databases (gnomAD no frequency). This premature translational stop signal has been observed in individual(s) with plexiform neurofibromas (PMID: 11857752). ClinVar contains an entry for this variant (Variation ID: 2137961). For these reasons, this variant has been classified as Pathogenic.

Ambry Genetics
Classification: Pathogenic for Cardiovascular phenotype; Hereditary cancer-predisposing syndrome. Last evaluated: 2025-09-04. Review status: criteria provided, single submitter. Criteria: Ambry Variant Classification Scheme 2023. Collection method: clinical testing. Allele origin: germline.
Comment: The c.1545delG pathogenic mutation, located in coding exon 14 of the NF1 gene, results from a deletion of one nucleotide at nucleotide position 1545, causing a translational frameshift with a predicted alternate stop codon (p.E517Kfs*9). This variant is considered to be rare based on population cohorts in the Genome Aggregation Database (gnomAD). This alteration is expected to result in loss of function by premature protein truncation or nonsense-mediated mRNA decay. As such, this alteration is interpreted as a disease-causing mutation.

Literature cited by the submitters: PubMed 10712197 (cited by Labcorp Genetics (formerly Invitae), Labcorp); PubMed 23913538 (cited by Labcorp Genetics (formerly Invitae), Labcorp); PubMed 11857752 (cited by Labcorp Genetics (formerly Invitae), Labcorp).